The following is an entry in ClinVar:

NM_000719.7(CACNA1C):c.847G>T (p.Ala283Ser)

Gene: CACNA1C (calcium voltage-gated channel subunit alpha1 C; plus strand). Cytogenetic location: 12p13.33.
Variant type: single nucleotide variant.
Coding change: c.847G>T on transcript NM_000719.7 (MANE Select); coding-DNA position 847, G replaced by T.
Protein change: p.Ala283Ser; replaces alanine 283 with serine.
Molecular consequence: missense variant.
Genome position (GRCh38, 1-based): chr12:2,486,193, G>T. VCF-style: chr12-2486193-G-T. GRCh37 (hg19) VCF-style: chr12-2595359-G-T.
Other names: c.847G>T, p.Ala283Ser (NM_001129830.3, NM_001129831.2, NM_001129832.2 and 19 more transcripts); short protein forms A283S.
Identifiers: ClinVar variation 2977138 (VCV002977138.3), dbSNP rs1325179357, ClinGen allele CA383369443.

ClinVar aggregate classification (germline): Uncertain significance (1 of 4 stars; one submission).

Conditions:
Long QT syndrome (LQTS). Identifiers: MedGen C0023976, MeSH D008133, MONDO:0002442. Disease mechanism: loss of function. Inheritance: Various modes of inheritance.

Submission:

Labcorp Genetics (formerly Invitae), Labcorp
Classification: Uncertain significance for Long QT syndrome. Last evaluated: 2024-10-29. Review status: criteria provided, single submitter. Criteria: Invitae Variant Classification Sherloc (09022015). Collection method: clinical testing. Allele origin: germline.
Comment: This sequence change replaces alanine, which is neutral and non-polar, with serine, which is neutral and polar, at codon 283 of the CACNA1C protein (p.Ala283Ser). This variant is not present in population databases (gnomAD no frequency). This variant has not been reported in the literature in individuals affected with CACNA1C-related conditions. Invitae Evidence Modeling of protein sequence and biophysical properties (such as structural, functional, and spatial information, amino acid conservation, physicochemical variation, residue mobility, and thermodynamic stability) indicates that this missense variant is expected to disrupt CACNA1C protein function with a positive predictive value of 80%. In summary, the available evidence is currently insufficient to determine the role of this variant in disease. Therefore, it has been classified as a Variant of Uncertain Significance.